The following is an entry in ClinVar:

ClinVar aggregate classification (germline): Pathogenic (1 of 4 stars; one submission).

Conditions:
Duchenne muscular dystrophy (DMD). Also called: MUSCULAR DYSTROPHY, PSEUDOHYPERTROPHIC PROGRESSIVE, DUCHENNE TYPE; Duchenne Muscular Dystrophy (DMD). Identifiers: Orphanet 98896, MedGen C0013264, MONDO:0010679, OMIM 310200.

Submission:

Labcorp Genetics (formerly Invitae), Labcorp
Classification: Pathogenic for Duchenne muscular dystrophy. Last evaluated: 2025-04-26. Review status: criteria provided, single submitter. Criteria: Invitae Variant Classification Sherloc (09022015). Collection method: clinical testing. Allele origin: germline.
Comment: This sequence change creates a premature translational stop signal (p.Leu2260Trpfs*14) in the DMD gene. It is expected to result in an absent or disrupted protein product. Loss-of-function variants in DMD are known to be pathogenic (PMID: 16770791, 25007885). This variant is not present in population databases (gnomAD no frequency). This variant has not been reported in the literature in individuals affected with DMD-related conditions. For these reasons, this variant has been classified as Pathogenic.

Literature cited by the submitters: PubMed 16770791; PubMed 25007885.

NM_004006.3(DMD):c.6771_6778dup (p.Leu2260fs)

Gene: DMD (dystrophin; minus strand). Cytogenetic location: Xp21.1.
Variant type: Duplication.
Coding change: c.6771_6778dup on transcript NM_004006.3 (MANE Select); coding-DNA positions 6771 to 6778, 8 bases duplicated (GGAAGAGT; older notation c.6771_6778dupGGAAGAGT).
Protein change: p.Leu2260fs; shifts the reading frame from leucine 2260.
Molecular consequence: frameshift variant. On other transcripts: 5 prime UTR variant (5).
Genome position (GRCh38, 1-based): chrX:31,929,730-31,929,737, ACTCTTCC duplicated on the plus strand (GGAAGAGT on the coding strand, the reverse complement: DMD is on the minus strand); duplicating any 8 consecutive bases within chrX:31,929,730-31,929,739 gives the same sequence; the c. name uses the placement nearest the transcript's 3' end. VCF-style (leftmost placement, unchanged base first): chrX-31929729-A-AACTCTTCC. GRCh37 (hg19) VCF-style: chrX-31947846-A-AACTCTTCC.
Other names: c.6747_6754dup, p.Leu2252fs (NM_000109.4); c.6759_6766dup, p.Leu2256fs (NM_004009.3); c.6402_6409dup, p.Leu2137fs (NM_004010.3); c.2748_2755dup, p.Leu919fs (NM_004011.4); c.2739_2746dup, p.Leu916fs (NM_004012.4); c.-610_-603dup (NM_004013.3, NM_004020.4, NM_004021.3 and 2 more transcripts); short protein forms L916fs, L2256fs, L2260fs, L2252fs, L919fs, L2137fs.
Identifiers: ClinVar variation 4717960 (VCV004717960.1).